The following is an entry in ClinVar:

NM_003640.5(ELP1):c.2769A>G (p.Thr923=)

Gene: ELP1 (elongator acetyltransferase complex subunit 1; minus strand). Cytogenetic location: 9q31.3.
Variant type: single nucleotide variant.
Coding change: c.2769A>G on transcript NM_003640.5 (MANE Select); coding-DNA position 2769, A replaced by G.
Protein change: p.Thr923=; no amino-acid change (threonine 923 retained).
Molecular consequence: synonymous variant.
Genome position (GRCh38, 1-based): chr9:108,894,034, T>C on the plus strand (A>G on the coding strand, the complement: ELP1 is on the minus strand). VCF-style: chr9-108894034-T-C. GRCh37 (hg19) VCF-style: chr9-111656314-T-C.
Other names: c.2427A>G, p.Thr809= (NM_001318360.2); c.1722A>G, p.Thr574= (NM_001330749.2); c.2769A>G (NM_003640.4).
Identifiers: ClinVar variation 702000 (VCV000702000.20), dbSNP rs370330097, ClinGen allele CA5174542.

ClinVar aggregate classification (germline): Conflicting classifications of pathogenicity. Review status: criteria provided, conflicting classifications (1 of 4 stars). 4 submissions from 4 submitters: Uncertain significance (1); Likely benign (2). 1 of the submissions does not count toward it. Last evaluated 2026-01-20.

Conditions:
ELP1-related disorder. Also called: ELP1-related condition.
Familial dysautonomia. Also called: HSAN III; FD. Identifiers: Orphanet 1764, MedGen C0013364, MONDO:0009131, OMIM 223900. Disease mechanism: loss of function.

Allele frequency attached by ClinVar (database versions not stated): ExAC 0.00002; gnomAD exomes 0.00002 and 0.00006; TOPMed 0.00005; gnomAD 0.00007; ESP Exome Variant Server 0.00015.
gnomAD v4.1: 97 of 1,545,954 alleles (0.0063%); highest among the groups gnomAD compares: Non-Finnish European, 0.0081%; no homozygotes.

Submissions (4):

Labcorp Genetics (formerly Invitae), Labcorp
Classification: Likely benign. Last evaluated: 2026-01-20. Review status: criteria provided, single submitter. Criteria: Invitae Variant Classification Sherloc (09022015). Collection method: clinical testing. Allele origin: germline.

PreventionGenetics, part of Exact Sciences
Classification: Likely benign for ELP1-related condition. Last evaluated: 2025-12-02. Review status: criteria provided, single submitter. Criteria: ACMG Guidelines, 2015. Collection method: clinical testing. Allele origin: germline.
Comment: This variant is classified as likely benign based on ACMG/AMP sequence variant interpretation guidelines (Richards et al. 2015 PMID: 25741868, with internal and published modifications).

Illumina Laboratory Services, Illumina
Classification: Uncertain significance for Familial dysautonomia. Last evaluated: 2018-01-12. Review status: criteria provided, single submitter. Criteria: ICSL Variant Classification Criteria 13 December 2019. Collection method: clinical testing. Allele origin: germline.

Natera, Inc.
Classification: Likely benign for Familial dysautonomia. Last evaluated: 2021-01-21. Review status: no assertion criteria provided. Collection method: clinical testing. Allele origin: germline. Not counted in ClinVar's aggregate classification.